The following is an entry in ClinVar:

ClinVar aggregate classification (germline): Uncertain significance. Review status: criteria provided, multiple submitters, no conflicts (2 of 4 stars). 4 submissions from 4 submitters: Uncertain significance (3). 1 of the submissions does not count toward it. Last evaluated 2022-10-13.

Conditions:
SDCCAG8-related disorder. Also called: SDCCAG8-Related Disorders; SDCCAG8-related condition.
Senior-Loken syndrome 7 (SLSN7). Identifiers: Orphanet 3156, MedGen C3150877, MONDO:0013326, OMIM 613615.
Bardet-Biedl syndrome 16 (BBS16). Identifiers: Orphanet 110, MedGen C3889474, MONDO:0014444, OMIM 615993.

Allele frequency attached by ClinVar (database versions not stated): ExAC 0.00004; gnomAD exomes 0.00004; TOPMed 0.00010; gnomAD 0.00018 and 0.00019; 1000 Genomes Project 30x 0.00078; 1000 Genomes Project 0.00080.
gnomAD v4.1: 67 of 1,614,128 alleles (0.0042%); highest among the groups gnomAD compares: Admixed American, 0.063%; no homozygotes.

Submissions (4):

Labcorp Genetics (formerly Invitae), Labcorp
Classification: Uncertain significance for Bardet-Biedl syndrome 16; Senior-Loken syndrome 7. Last evaluated: 2022-10-13. Review status: criteria provided, single submitter. Criteria: Invitae Variant Classification Sherloc (09022015). Collection method: clinical testing. Allele origin: germline.
Comment: This sequence change replaces arginine, which is basic and polar, with histidine, which is basic and polar, at codon 278 of the SDCCAG8 protein (p.Arg278His). This variant is present in population databases (rs200657425, gnomAD 0.02%), including at least one homozygous and/or hemizygous individual. This variant has not been reported in the literature in individuals affected with SDCCAG8-related conditions. ClinVar contains an entry for this variant (Variation ID: 850817). Advanced modeling of protein sequence and biophysical properties (such as structural, functional, and spatial information, amino acid conservation, physicochemical variation, residue mobility, and thermodynamic stability) performed at Invitae indicates that this missense variant is not expected to disrupt SDCCAG8 protein function. In summary, the available evidence is currently insufficient to determine the role of this variant in disease. Therefore, it has been classified as a Variant of Uncertain Significance.

New York Genome Center
Classification: Uncertain significance for Senior-Loken syndrome 7; Bardet-Biedl syndrome 16. Last evaluated: 2022-07-11. Review status: criteria provided, single submitter. Criteria: NYGC Assertion Criteria 2020. Collection method: clinical testing. Allele origin: germline. Observed: 1 heterozygote.

Fulgent Genetics
Classification: Uncertain significance for Senior-Loken syndrome 7; Bardet-Biedl syndrome 16. Last evaluated: 2022-04-22. Review status: criteria provided, single submitter. Criteria: ACMG Guidelines, 2015. Collection method: clinical testing. Allele origin: unknown.

PreventionGenetics, part of Exact Sciences
Classification: Uncertain significance for SDCCAG8-related condition. Last evaluated: 2024-08-28. Review status: no assertion criteria provided. Collection method: clinical testing. Allele origin: germline. Not counted in ClinVar's aggregate classification.
Comment: The SDCCAG8 c.833G>A variant is predicted to result in the amino acid substitution p.Arg278His. To our knowledge, this variant has not been reported in the literature. This variant is reported in 0.020% of alleles in individuals of Latino descent in gnomAD, including one homozygous individual. At this time, the clinical significance of this variant is uncertain due to the absence of conclusive functional and genetic evidence.

NM_006642.5(SDCCAG8):c.833G>A (p.Arg278His)

Gene: SDCCAG8 (SHH signaling and ciliogenesis regulator SDCCAG8; plus strand). Cytogenetic location: 1q43.
Variant type: single nucleotide variant.
Coding change: c.833G>A on transcript NM_006642.5 (MANE Select); coding-DNA position 833, G replaced by A.
Protein change: p.Arg278His; replaces arginine 278 with histidine.
Molecular consequence: missense variant. On other transcripts: 5 prime UTR variant (3).
Genome position (GRCh38, 1-based): chr1:243,308,081, G>A. VCF-style: chr1-243308081-G-A. GRCh37 (hg19) VCF-style: chr1-243471383-G-A.
Other names: c.-71G>A (NM_001350246.2, NM_001350247.2, NM_001350251.2); c.929G>A, p.Arg310His (NM_001350248.2); c.539G>A, p.Arg180His (NM_001350249.2); short protein forms R180H, R278H, R310H.
Identifiers: ClinVar variation 850817 (VCV000850817.9), dbSNP rs200657425, ClinGen allele CA1483452.